The following is an entry in ClinVar:

ClinVar aggregate classification (germline): Likely benign. Review status: criteria provided, multiple submitters, no conflicts (2 of 4 stars). 7 submissions from 7 submitters: Likely benign (7). Last evaluated 2026-01-28.

Conditions:
Cardiomyopathy (CMYO). Also called: Cardiomyopathies. Identifiers: Orphanet 167848, MedGen C0878544, MONDO:0004994, HP:0001638. Inheritance: Various modes of inheritance.
Cardiovascular phenotype. Identifiers: MedGen CN230736.
Charcot-Marie-Tooth disease type 2. Also called: Charcot-Marie-Tooth type 2. Identifiers: Orphanet 64746, MedGen C0270914, MONDO:0018993.
Primary dilated cardiomyopathy (DCM). Also called: Dilated Cardiomyopathy. Identifiers: Orphanet 217604, MedGen C0007193, MeSH D002311, MONDO:0005021, HP:0001644. Inheritance: Various modes of inheritance.

Allele frequency attached by ClinVar (database versions not stated): gnomAD 0.00003; TOPMed 0.00003; gnomAD exomes 0.00004 and 0.00005; ExAC 0.00006.
gnomAD v4.1: 57 of 1,613,492 alleles (0.0035%); highest among the groups gnomAD compares: East Asian, 0.0089%; no homozygotes.

Submissions (7):

Labcorp Genetics (formerly Invitae), Labcorp
Classification: Likely benign for Charcot-Marie-Tooth disease type 2. Last evaluated: 2026-01-28. Review status: criteria provided, single submitter. Criteria: Invitae Variant Classification Sherloc (09022015). Collection method: clinical testing. Allele origin: germline.

ARUP Laboratories, Molecular Genetics and Genomics, ARUP Laboratories
Classification: Likely benign. Last evaluated: 2025-04-08. Review status: criteria provided, single submitter. Criteria: ARUP Molecular Germline Variant Investigation Process 2024. Collection method: clinical testing. Allele origin: germline.

Blueprint Genetics
Classification: Likely benign. Last evaluated: 2024-06-06. Review status: criteria provided, single submitter. Criteria: ACMG Guidelines, 2015. Collection method: clinical testing. Allele origin: germline.

All of Us Research Program, National Institutes of Health
Classification: Likely benign for Primary dilated cardiomyopathy. Last evaluated: 2023-12-18. Review status: criteria provided, single submitter. Criteria: ACMG Guidelines, 2015. Collection method: clinical testing. Allele origin: germline. Inheritance: Autosomal dominant inheritance. Observed: 11 variant alleles, 11 heterozygotes.
Comment: This study involves interpretation of variants in research participants for the purpose of population health screening. Participant phenotype was not available at the time of variant classification. Additional details can be found in publication PMID: 35346344, PMCID: PMC8962531

Women's Health and Genetics/Laboratory Corporation of America, LabCorp
Classification: Likely benign. Last evaluated: 2022-03-13. Review status: criteria provided, single submitter. Criteria: LabCorp Variant Classification Summary - May 2015. Collection method: clinical testing. Allele origin: germline.

Ambry Genetics
Classification: Likely benign for Cardiovascular phenotype. Last evaluated: 2020-03-17. Review status: criteria provided, single submitter. Criteria: Ambry Variant Classification Scheme 2023. Collection method: clinical testing. Allele origin: germline.

Color Diagnostics, LLC DBA Color Health
Classification: Likely benign for Cardiomyopathy. Last evaluated: 2018-10-22. Review status: criteria provided, single submitter. Criteria: ACMG Guidelines, 2015. Collection method: clinical testing. Allele origin: germline.

NM_170707.4(LMNA):c.885G>A (p.Ser295=)

Gene: LMNA (lamin A/C; plus strand). Cytogenetic location: 1q22.
Variant type: single nucleotide variant.
Coding change: c.885G>A on transcript NM_170707.4 (MANE Select); coding-DNA position 885, G replaced by A.
Protein change: p.Ser295=; no amino-acid change (serine 295 retained).
Molecular consequence: synonymous variant.
Genome position (GRCh38, 1-based): chr1:156,135,261, G>A. VCF-style: chr1-156135261-G-A. GRCh37 (hg19) VCF-style: chr1-156105052-G-A.
Other names: c.549G>A, p.Ser183= (NM_001257374.3); c.642G>A, p.Ser214= (NM_001282624.2); c.885G>A, p.Ser295= (NM_001282625.2, NM_001282626.2, NM_005572.4 and 1 more transcripts).
Identifiers: ClinVar variation 697867 (VCV000697867.25), dbSNP rs776999079, ClinGen allele CA054602.
Genomic context (GRCh38, chr1:156,135,261, plus strand): 5'-GCAGTCTGCTGAGAGGAACAGCAACCTGGTGGGGGCTGCCCACGAGGAGCTGCAGCAGTC[G>A]CGCATCCGCATCGACAGCCTCTCTGCCCAGCTCAGCCAGCTCCAGAAGCAGGTGATACCC-3'
Protein context (NP_733821.1, residues 285-305): VGAAHEELQQ[Ser295=]RIRIDSLSAQ